The following is an entry in ClinVar:

NM_001369.3(DNAH5):c.6444G>A (p.Gln2148=)

Gene: DNAH5 (dynein axonemal heavy chain 5; minus strand). Cytogenetic location: 5p15.2.
Variant type: single nucleotide variant.
Coding change: c.6444G>A on transcript NM_001369.3 (MANE Select); coding-DNA position 6444, G replaced by A.
Protein change: p.Gln2148=; no amino-acid change (glutamine 2148 retained).
Molecular consequence: synonymous variant.
Genome position (GRCh38, 1-based): chr5:13,829,510, C>T on the plus strand (G>A on the coding strand, the complement: DNAH5 is on the minus strand). VCF-style: chr5-13829510-C-T. GRCh37 (hg19) VCF-style: chr5-13829619-C-T.
Identifiers: ClinVar variation 576446 (VCV000576446.11), dbSNP rs769544175, ClinGen allele CA3203407.

ClinVar aggregate classification (germline): Conflicting classifications of pathogenicity. Review status: criteria provided, conflicting classifications (1 of 4 stars). 3 submissions from 3 submitters: Pathogenic (1); Uncertain significance (1). 1 of the submissions does not count toward it. Last evaluated 2024-09-03.

Conditions:
Primary ciliary dyskinesia. Also called: Ciliary dyskinesia. Identifiers: Orphanet 244, MedGen C0008780, MONDO:0016575, HP:0012265.

Allele frequency attached by ClinVar (database versions not stated): gnomAD 0.00001; gnomAD exomes 0.00001; ExAC 0.00002.
gnomAD v4.1: 10 of 1,613,966 alleles (0.00062%); highest among the groups gnomAD compares: Non-Finnish European, 0.00068%; no homozygotes.

Submissions (3):

Blueprint Genetics
Classification: Uncertain significance. Last evaluated: 2024-09-03. Review status: criteria provided, single submitter. Criteria: ACMG Guidelines, 2015. Collection method: clinical testing. Allele origin: germline.

Labcorp Genetics (formerly Invitae), Labcorp
Classification: Pathogenic for Primary ciliary dyskinesia. Last evaluated: 2024-01-09. Review status: criteria provided, single submitter. Criteria: Invitae Variant Classification Sherloc (09022015). Collection method: clinical testing. Allele origin: germline.
Comment: This sequence change affects codon 2148 of the DNAH5 mRNA. It is a 'silent' change, meaning that it does not change the encoded amino acid sequence of the DNAH5 protein. This variant also falls at the last nucleotide of exon 38, which is part of the consensus splice site for this exon. This variant is present in population databases (rs769544175, gnomAD 0.004%). This variant has been observed in individual(s) with clinical features of primary ciliary dyskinesia (Invitae). In at least one individual the data is consistent with being in trans (on the opposite chromosome) from a pathogenic variant. ClinVar contains an entry for this variant (Variation ID: 576446). Variants that disrupt the consensus splice site are a relatively common cause of aberrant splicing (PMID: 17576681, 9536098). Algorithms developed to predict the effect of sequence changes on RNA splicing suggest that this variant may disrupt the consensus splice site. For these reasons, this variant has been classified as Pathogenic.

Natera, Inc.
Classification: Uncertain significance for Primary ciliary dyskinesia. Last evaluated: 2019-11-11. Review status: no assertion criteria provided. Collection method: clinical testing. Allele origin: germline. Not counted in ClinVar's aggregate classification.

Literature cited by the submitters: PubMed 17576681 (cited by Labcorp Genetics (formerly Invitae), Labcorp); PubMed 9536098 (cited by Labcorp Genetics (formerly Invitae), Labcorp).